The following is an entry in ClinVar:

NM_006493.4(CLN5):c.-78G>T

Gene: CLN5 (CLN5 lysosomal BMP synthase; plus strand). Cytogenetic location: 13q22.3.
Variant type: single nucleotide variant.
Coding change: c.-78G>T on transcript NM_006493.4 (MANE Select); 78 bases upstream of the start codon, G replaced by T.
Genome position (GRCh38, 1-based): chr13:76,992,021, G>T. VCF-style: chr13-76992021-G-T. GRCh37 (hg19) VCF-style: chr13-77566156-G-T.
Identifiers: ClinVar variation 643425 (VCV000643425.8), dbSNP rs540811599, ClinGen allele CA252175590.

ClinVar aggregate classification (germline): Uncertain significance. Review status: criteria provided, single submitter (1 of 4 stars). 2 submissions from 2 submitters: Uncertain significance (1). 1 of the submissions does not count toward it. Last evaluated 2022-07-29.

Conditions:
Neuronal ceroid lipofuscinosis. Also called: Neuronal Ceroid Lipofuscinoses. Identifiers: Orphanet 216, Orphanet 79263, MedGen C0027877, MONDO:0016295. Disease mechanism: loss of function.

Allele frequency attached by ClinVar (database versions not stated): gnomAD 0.00003; TOPMed 0.00009; 1000 Genomes Project 30x 0.00016; 1000 Genomes Project 0.00020.

Submissions (2):

Labcorp Genetics (formerly Invitae), Labcorp
Classification: Uncertain significance for Neuronal ceroid lipofuscinosis. Last evaluated: 2022-07-29. Review status: criteria provided, single submitter. Criteria: Invitae Variant Classification Sherloc (09022015). Collection method: clinical testing. Allele origin: germline.
Comment: This sequence change creates a premature translational stop signal (p.Gly24*) in the CLN5 gene. However, it is currently unclear if variants that occur in this region of the gene cause disease. The frequency data for this variant in the population databases is considered unreliable, as metrics indicate poor data quality at this position in the gnomAD database. This variant has not been reported in the literature in individuals affected with CLN5-related conditions. ClinVar contains an entry for this variant (Variation ID: 643425). Experimental studies and prediction algorithms are not available or were not evaluated, and the functional significance of this variant is currently unknown. In summary, the available evidence is currently insufficient to determine the role of this variant in disease. Therefore, it has been classified as a Variant of Uncertain Significance.

Natera, Inc.
Classification: Uncertain significance for Neuronal ceroid lipofuscinosis. Last evaluated: 2021-05-03. Review status: no assertion criteria provided. Collection method: clinical testing. Allele origin: germline. Not counted in ClinVar's aggregate classification.